The following is an entry in ClinVar:

ClinVar aggregate classification (germline): Pathogenic/Likely pathogenic. Review status: criteria provided, multiple submitters, no conflicts (2 of 4 stars). 2 submissions from 2 submitters: Pathogenic (1); Likely pathogenic (1). Last evaluated 2023-05-14.

Conditions:
Fraser syndrome 2 (FRASRS2). Identifiers: MedGen C4540036, MONDO:0054738, OMIM 617666.

Allele frequency attached by ClinVar (database versions not stated): gnomAD exomes 0.00001.
gnomAD v4.1: 5 of 1,614,138 alleles (0.00031%); highest among the groups gnomAD compares: Admixed American, 0.0083%; no homozygotes.

Submissions (2):

Labcorp Genetics (formerly Invitae), Labcorp
Classification: Pathogenic. Last evaluated: 2023-05-14. Review status: criteria provided, single submitter. Criteria: Invitae Variant Classification Sherloc (09022015). Collection method: clinical testing. Allele origin: germline.
Comment: ClinVar contains an entry for this variant (Variation ID: 1687536). This variant has not been reported in the literature in individuals affected with FREM2-related conditions. This variant is present in population databases (rs376122266, gnomAD 0.009%). This sequence change creates a premature translational stop signal (p.Gln1051*) in the FREM2 gene. It is expected to result in an absent or disrupted protein product. Loss-of-function variants in FREM2 are known to be pathogenic (PMID: 18203166, 26552811). For these reasons, this variant has been classified as Pathogenic.

3billion
Classification: Likely pathogenic for Fraser syndrome 2. Last evaluated: 2022-05-22. Review status: criteria provided, single submitter. Criteria: ACMG Guidelines, 2015. Collection method: clinical testing. Allele origin: germline. Affected: yes. Observed: 1 heterozygote.
Comment: The variant is observed at an extremely low frequency in the gnomAD v2.1.1 dataset (total allele frequency: 0.002%). Stop-gained (nonsense): predicted to result in a loss or disruption of normal protein function through nonsense-mediated decay (NMD) or protein truncation. Multiple pathogenic variants are reported downstream of the variant. Therefore, this variant is classified as likely pathogenic according to the recommendation of ACMG/AMP guideline.

Literature cited by the submitters: PubMed 18203166 (cited by Labcorp Genetics (formerly Invitae), Labcorp); PubMed 26552811 (cited by Labcorp Genetics (formerly Invitae), Labcorp).

NM_207361.6(FREM2):c.3151C>T (p.Gln1051Ter)

Gene: FREM2 (FRAS1 related extracellular matrix 2; plus strand). Cytogenetic location: 13q13.3.
Variant type: single nucleotide variant.
Coding change: c.3151C>T on transcript NM_207361.6 (MANE Select); coding-DNA position 3151, C replaced by T.
Protein change: p.Gln1051Ter; replaces glutamine 1051 with a stop codon.
Molecular consequence: nonsense.
Genome position (GRCh38, 1-based): chr13:38,690,495, C>T. VCF-style: chr13-38690495-C-T. GRCh37 (hg19) VCF-style: chr13-39264632-C-T.
Other names: short protein forms Q1051*.
Identifiers: ClinVar variation 1687536 (VCV001687536.4), dbSNP rs376122266, ClinGen allele CA6954745.